The following is an entry in ClinVar:

NM_000503.6(EYA1):c.1051-12T>G

Gene: EYA1 (EYA transcriptional coactivator and phosphatase 1; minus strand). Cytogenetic location: 8q13.3.
Variant type: single nucleotide variant.
Coding change: c.1051-12T>G on transcript NM_000503.6 (MANE Select); 12 bases into the intron before coding-DNA position 1051, T replaced by G.
Molecular consequence: intron variant.
Genome position (GRCh38, 1-based): chr8:71,244,704, A>C on the plus strand (T>G on the coding strand, the complement: EYA1 is on the minus strand). VCF-style: chr8-71244704-A-C. GRCh37 (hg19) VCF-style: chr8-72156939-A-C.
Other names: c.1119+25036T>G (NM_001370336.1); c.1138-12T>G (NM_001370333.1); c.1051-12T>G (NM_001370335.1, NM_001370334.1, NM_172058.4 and 1 more transcripts); c.1122+25036T>G (NM_172059.5); c.685-12T>G (NM_001288575.2); c.1033-12T>G (NM_001288574.2).
Identifiers: ClinVar variation 1405776 (VCV001405776.9), dbSNP rs2128904625, ClinGen allele CA2573143308.

ClinVar aggregate classification (germline): Conflicting classifications of pathogenicity. Review status: criteria provided, conflicting classifications (1 of 4 stars). 3 submissions from 3 submitters: Likely pathogenic (1); Uncertain significance (2). Last evaluated 2026-08-17.

Conditions:
EYA1-related disorder. Also called: EYA1-related condition.
Melnick-Fraser syndrome (BOR). Also called: Branchiootorenal Syndrome (BORS); Branchiootorenal syndrome; Branchio-oto-renal syndrome. Identifiers: Orphanet 107, MedGen C0265234, MONDO:0007029.

Submissions (3):

PreventionGenetics, part of Exact Sciences
Classification: Likely pathogenic for EYA1-related condition. Last evaluated: 2026-08-17. Review status: criteria provided, single submitter. Criteria: ACMG Guidelines, 2015. Collection method: clinical testing. Allele origin: germline.
Comment: The EYA1 c.1051-12T>G variant is predicted to interfere with splicing. This variant has been reported in one family with branchio-oto-renal syndrome; however, limited information was provided (Orten. 2008. PubMed ID: 18220287). At PreventionGenetics, we have observed this variant to segregate with several family members with features of branchio-oto-renal syndrome (internal data). Taken together, we interpret this variant as likely pathogenic.

Labcorp Genetics (formerly Invitae), Labcorp
Classification: Uncertain significance for Melnick-Fraser syndrome. Last evaluated: 2026-01-21. Review status: criteria provided, single submitter. Criteria: Invitae Variant Classification Sherloc (09022015). Collection method: clinical testing. Allele origin: germline.
Comment: This sequence change falls in intron 11 of the EYA1 gene. It does not directly change the encoded amino acid sequence of the EYA1 protein. This variant is not present in population databases (gnomAD no frequency). This variant has been observed in individuals with clinical features of branchiootorenal syndrome (PMID: 18220287; internal data). ClinVar contains an entry for this variant (Variation ID: 1405776). Algorithms developed to predict the effect of sequence changes on RNA splicing suggest that this variant may disrupt the consensus splice site. In summary, the available evidence is currently insufficient to determine the role of this variant in disease. Therefore, it has been classified as a Variant of Uncertain Significance.

GeneDx
Classification: Uncertain significance. Last evaluated: 2024-09-18. Review status: criteria provided, single submitter. Criteria: GeneDx Variant Classification Process June 2021. Collection method: clinical testing. Allele origin: germline.
Comment: Not observed at significant frequency in large population cohorts (gnomAD); In silico analysis supports a deleterious effect on splicing; This variant is associated with the following publications: (PMID: 25525159, 18220287)

Literature cited by the submitters: PubMed 18220287 (cited by Labcorp Genetics (formerly Invitae), Labcorp).